The following is an entry in ClinVar:

ClinVar aggregate classification (germline): Benign. Review status: reviewed by expert panel (3 of 4 stars). 6 submissions from 6 submitters: Benign (1). 5 of the submissions do not count toward it. Last evaluated 2021-05-07.

Conditions:
Glanzmann thrombasthenia. Also called: BLEEDING DISORDER, PLATELET-TYPE, 2; THROMBASTHENIA OF GLANZMANN AND NAEGELI; PLATELET GLYCOPROTEIN IIb-IIIa DEFICIENCY; Thrombasthenia; Glanzmann's thrombasthenia. Identifiers: Orphanet 849, MedGen C0040015, MONDO:0100326.

Allele frequency attached by ClinVar (database versions not stated): gnomAD exomes 0.00441; ExAC 0.00526; 1000 Genomes Project 30x 0.01234; 1000 Genomes Project 0.01278; gnomAD 0.01639 and 0.01758; ESP Exome Variant Server 0.01815; TOPMed 0.01849.
gnomAD v4.1: 4,999 of 1,614,194 alleles (0.31%); highest among the groups gnomAD compares: African/African-American, 5.4%; 142 homozygotes.

Submissions (6):

ClinGen Platelet Disorders Variant Curation Expert Panel, ClinGen
Classification: Benign for Glanzmann thrombasthenia. Last evaluated: 2021-05-07. Review status: reviewed by expert panel. Criteria: ClinGen Platelet ACMG Specifications v2. Collection method: curation. Allele origin: germline. Inheritance: Autosomal recessive inheritance.
Comment: The NM_000212.2:c.342T>C variant, which leads to a synonymous change, Ile114Ile, is reported at a high frequency in the African population in gnomAD and ExAC (0.05). In-silico splicing predictors do not predict splicing impact. PMID: 27469266 reports on this and other polymorphic, non-causal variants found in linkage disequilibrium with deleterious mutations in GT patients. Ile114Ile is classified as a benign variant. GT-specific criteria applied: BA1, BP4, and BP7.

Labcorp Genetics (formerly Invitae), Labcorp
Classification: Benign. Last evaluated: 2026-02-02. Review status: criteria provided, single submitter. Criteria: Invitae Variant Classification Sherloc (09022015). Collection method: clinical testing. Allele origin: germline. Not counted in ClinVar's aggregate classification.

Mayo Clinic Laboratories, Mayo Clinic
Classification: Benign. Last evaluated: 2023-07-22. Review status: criteria provided, single submitter. Criteria: ACMG Guidelines, 2015. Collection method: clinical testing. Allele origin: germline. Observed: 9 variant alleles. Not counted in ClinVar's aggregate classification.

Illumina Laboratory Services, Illumina
Classification: Benign for Glanzmann thrombasthenia 1. Last evaluated: 2018-01-13. Review status: criteria provided, single submitter. Criteria: ICSL Variant Classification Criteria 13 December 2019. Collection method: clinical testing. Allele origin: germline. Not counted in ClinVar's aggregate classification.
Comment: This variant was observed in the ICSL laboratory as part of a predisposition screen in an ostensibly healthy population. It had not been previously curated by ICSL or reported in the Human Gene Mutation Database (HGMD: prior to June 1st, 2018), and was therefore a candidate for classification through an automated scoring system. Utilizing variant allele frequency, disease prevalence and penetrance estimates, and inheritance mode, an automated score was calculated to assess if this variant is too frequent to cause the disease. Based on the score and internal cut-off values, a variant classified as benign is not then subjected to further curation. The score for this variant resulted in a classification of benign for this disease.

Breakthrough Genomics
Classification: Benign. Review status: criteria provided, single submitter. Criteria: ACMG Guidelines, 2015. Collection method: not provided. Allele origin: germline. Inheritance: Autosomal recessive inheritance. Affected: yes. Not counted in ClinVar's aggregate classification.

PreventionGenetics, part of Exact Sciences
Classification: Benign. Review status: criteria provided, single submitter. Criteria: ACMG Guidelines, 2015. Collection method: clinical testing. Allele origin: germline. Not counted in ClinVar's aggregate classification.

NM_000212.3(ITGB3):c.342T>C (p.Ile114=)

Gene: ITGB3 (integrin subunit beta 3; plus strand). Cytogenetic location: 17q21.32.
Variant type: single nucleotide variant.
Coding change: c.342T>C on transcript NM_000212.3 (MANE Select); coding-DNA position 342, T replaced by C.
Protein change: p.Ile114=; no amino-acid change (isoleucine 114 retained).
Molecular consequence: synonymous variant.
Genome position (GRCh38, 1-based): chr17:47,283,530, T>C. VCF-style: chr17-47283530-T-C. GRCh37 (hg19) VCF-style: chr17-45360896-T-C.
Other names: c.342T>C (NM_000212.2).
Identifiers: ClinVar variation 255540 (VCV000255540.22), dbSNP rs5920, ClinGen allele CA8622916.